The following is an entry in ClinVar:

ClinVar aggregate classification (germline): Uncertain significance (1 of 4 stars; one submission).

Conditions:
Hereditary cancer-predisposing syndrome. Also called: Hereditary neoplastic syndrome; Neoplastic Syndromes, Hereditary; Tumor predisposition; Hereditary Cancer Syndrome. Identifiers: Orphanet 140162, MedGen C0027672, MeSH D009386, MONDO:0015356.

Submission:

Ambry Genetics
Classification: Uncertain significance for Hereditary cancer-predisposing syndrome. Last evaluated: 2021-12-10. Review status: criteria provided, single submitter. Criteria: Ambry Variant Classification Scheme 2023. Collection method: clinical testing. Allele origin: germline.
Comment: The p.H2195Q variant (also known as c.6585T>A), located in coding exon 45 of the ATM gene, results from a T to A substitution at nucleotide position 6585. The histidine at codon 2195 is replaced by glutamine, an amino acid with highly similar properties. This amino acid position is conserved. In addition, this alteration is predicted to be tolerated by in silico analysis. Since supporting evidence is limited at this time, the clinical significance of this alteration remains unclear.

NM_000051.4(ATM):c.6585T>A (p.His2195Gln)

Genes: ATM (ATM serine/threonine kinase; plus strand), C11orf65 (chromosome 11 open reading frame 65; minus strand). Cytogenetic location: 11q22.3.
Variant type: single nucleotide variant.
Coding change: c.6585T>A on transcript NM_000051.4 (MANE Select); coding-DNA position 6585, T replaced by A.
Protein change: p.His2195Gln; replaces histidine 2195 with glutamine.
Molecular consequence: missense variant. On other transcripts: intron variant (2).
Genome position (GRCh38, 1-based): chr11:108,325,322, T>A. VCF-style: chr11-108325322-T-A. GRCh37 (hg19) VCF-style: chr11-108196049-T-A.
Other names: c.6585T>A, p.His2195Gln (NM_001351834.2); c.641-16251A>T (NM_001330368.2); c.*38+9898A>T (NM_001351110.2); short protein forms H2195Q.
Identifiers: ClinVar variation 1754326 (VCV001754326.2), dbSNP rs786203401, ClinGen allele CA382554665.